The following is an entry in ClinVar:

ClinVar aggregate classification (germline): Uncertain significance. Review status: criteria provided, multiple submitters, no conflicts (2 of 4 stars). 2 submissions from 2 submitters: Uncertain significance (2). Last evaluated 2023-02-02.

Conditions:
Inborn genetic diseases. Identifiers: MedGen C0950123, MeSH D030342.

Allele frequency attached by ClinVar (database versions not stated): gnomAD 0.00001; TOPMed 0.00001.
gnomAD v4.1: 3 of 1,614,034 alleles (0.00019%); highest among the groups gnomAD compares: Non-Finnish European, 0.00025%; no homozygotes.

Submissions (2):

GeneDx
Classification: Uncertain significance. Last evaluated: 2023-02-02. Review status: criteria provided, single submitter. Criteria: GeneDx Variant Classification Process June 2021. Collection method: clinical testing. Allele origin: germline. Affected: yes.
Comment: Not observed at significant frequency in large population cohorts (gnomAD); In silico analysis supports that this missense variant has a deleterious effect on protein structure/function; Has not been previously published as pathogenic or benign to our knowledge

Ambry Genetics
Classification: Uncertain significance for Inborn genetic diseases. Last evaluated: 2021-10-20. Review status: criteria provided, single submitter. Criteria: Ambry Variant Classification Scheme 2023. Collection method: clinical testing. Allele origin: germline.

NM_002240.5(KCNJ6):c.356G>T (p.Gly119Val)

Genes: KCNJ6 (potassium inwardly rectifying channel subfamily J member 6; minus strand), KCNJ6-AS1 (KCNJ6 antisense RNA 1; plus strand). Cytogenetic location: 21q22.13.
Variant type: single nucleotide variant.
Coding change: c.356G>T on transcript NM_002240.5 (MANE Select); coding-DNA position 356, G replaced by T.
Protein change: p.Gly119Val; replaces glycine 119 with valine.
Molecular consequence: missense variant.
Genome position (GRCh38, 1-based): chr21:37,714,801, C>A on the plus strand (G>T on the coding strand, the complement: KCNJ6 is on the minus strand). VCF-style: chr21-37714801-C-A. GRCh37 (hg19) VCF-style: chr21-39087104-C-A.
Other names: c.356G>T (NM_002240.3); short protein forms G119V.
Identifiers: ClinVar variation 2255852 (VCV002255852.3), dbSNP rs762020565, ClinGen allele CA409969001.
Genomic context (GRCh38, chr21:37,714,801, plus strand): 5'-AACCCGTTGAGGTTGGTAACACAAGGAGTCCAGGAGGGGTCCTCTATGTGGTCCATGTCT[C>A]CCCGTATGTATGCGATCAACCACCAGATCATTCCAAAAAAGAGCCAGGTCACTGTGTAAA-3'
Protein context (NP_002231.1, residues 109-129): MIWWLIAYIR[Gly119Val]DMDHIEDPSW